The following is an entry in ClinVar:

ClinVar aggregate classification (germline): Uncertain significance. Review status: criteria provided, multiple submitters, no conflicts (2 of 4 stars). 2 submissions from 2 submitters: Uncertain significance (2). Last evaluated 2022-09-28.

Conditions:
Pancreatic adenocarcinoma. Identifiers: MedGen C0281361, MONDO:0006047, HP:0006725.

Allele frequency attached by ClinVar (database versions not stated): gnomAD exomes below 0.00001; ExAC 0.00001; gnomAD 0.00001.
gnomAD v4.1: 3 of 1,614,024 alleles (0.00019%); highest among the groups gnomAD compares: African/African-American, 0.004%; no homozygotes.

Submissions (2):

Ambry Genetics
Classification: Uncertain significance. Last evaluated: 2022-09-28. Review status: criteria provided, single submitter. Criteria: Ambry Variant Classification Scheme 2023. Collection method: clinical testing. Allele origin: germline.
Comment: The p.D1078H variant (also known as c.3232G>C), located in coding exon 18 of the PALLD gene, results from a G to C substitution at nucleotide position 3232. The aspartic acid at codon 1078 is replaced by histidine, an amino acid with similar properties. This amino acid position is conserved. In addition, this alteration is predicted to be deleterious by in silico analysis. Since supporting evidence is limited at this time, the clinical significance of this alteration remains unclear.

Labcorp Genetics (formerly Invitae), Labcorp
Classification: Uncertain significance for Pancreatic adenocarcinoma. Last evaluated: 2022-09-23. Review status: criteria provided, single submitter. Criteria: Invitae Variant Classification Sherloc (09022015). Collection method: clinical testing. Allele origin: germline.
Comment: This sequence change replaces aspartic acid, which is acidic and polar, with histidine, which is basic and polar, at codon 591 of the PALLD protein (p.Asp591His). This variant is present in population databases (rs765135925, gnomAD 0.008%). This variant has not been reported in the literature in individuals affected with PALLD-related conditions. Algorithms developed to predict the effect of missense changes on protein structure and function (SIFT, PolyPhen-2, Align-GVGD) all suggest that this variant is likely to be disruptive. In summary, the available evidence is currently insufficient to determine the role of this variant in disease. Therefore, it has been classified as a Variant of Uncertain Significance.

NM_001166108.2(PALLD):c.3283G>C (p.Asp1095His)

Genes: CBR4 (carbonyl reductase 4; minus strand), PALLD (palladin, cytoskeletal associated protein; plus strand). Cytogenetic location: 4q32.3.
Variant type: single nucleotide variant.
Coding change: c.3283G>C on transcript NM_001166108.2 (MANE Select); coding-DNA position 3283, G replaced by C.
Protein change: p.Asp1095His; replaces aspartic acid 1095 with histidine.
Molecular consequence: missense variant.
Genome position (GRCh38, 1-based): chr4:168,925,003, G>C. VCF-style: chr4-168925003-G-C. GRCh37 (hg19) VCF-style: chr4-169846154-G-C.
Other names: c.2086G>C, p.Asp696His (NM_001166109.2); c.1771G>C, p.Asp591His (NM_001166110.2); c.1111G>C, p.Asp371His (NM_001367567.1, NM_001367569.1); c.1162G>C, p.Asp388His (NM_001367568.1, NM_001367570.1); c.3232G>C, p.Asp1078His (NM_016081.4); short protein forms D1078H, D388H, D591H, D1095H, D371H, D696H.
Identifiers: ClinVar variation 1729210 (VCV001729210.7), dbSNP rs765135925, ClinGen allele CA3136080.